The following is an entry in ClinVar:

ClinVar aggregate classification (germline): Uncertain significance (1 of 4 stars; one submission).

Conditions:
Peroxisome biogenesis disorder 9B. Also called: PEX7-Related Refsum Disease; PEROXISOME BIOGENESIS DISORDER, PEX7-RELATED, ATYPICAL; Refsum disease, adult, 2. Identifiers: Orphanet 773, MedGen C2749346, MONDO:0013945, OMIM 614879.

Submission:

Labcorp Genetics (formerly Invitae), Labcorp
Classification: Uncertain significance for Peroxisome biogenesis disorder 9B. Last evaluated: 2023-04-24. Review status: criteria provided, single submitter. Criteria: Invitae Variant Classification Sherloc (09022015). Collection method: clinical testing. Allele origin: germline.
Comment: In summary, the available evidence is currently insufficient to determine the role of this variant in disease. Therefore, it has been classified as a Variant of Uncertain Significance. An algorithm developed to predict the effect of missense changes on protein structure and function (PolyPhen-2) suggests that this variant is likely to be tolerated. ClinVar contains an entry for this variant (Variation ID: 2003648). This variant has not been reported in the literature in individuals affected with PEX7-related conditions. This variant is not present in population databases (gnomAD no frequency). This sequence change replaces phenylalanine, which is neutral and non-polar, with leucine, which is neutral and non-polar, at codon 24 of the PEX7 protein (p.Phe24Leu).

NM_000288.4(PEX7):c.72C>A (p.Phe24Leu)

Gene: PEX7 (peroxisomal biogenesis factor 7; plus strand). Cytogenetic location: 6q23.3.
Variant type: single nucleotide variant.
Coding change: c.72C>A on transcript NM_000288.4 (MANE Select); coding-DNA position 72, C replaced by A.
Protein change: p.Phe24Leu; replaces phenylalanine 24 with leucine.
Molecular consequence: missense variant.
Genome position (GRCh38, 1-based): chr6:136,822,737, C>A. VCF-style: chr6-136822737-C-A. GRCh37 (hg19) VCF-style: chr6-137143875-C-A.
Other names: short protein forms F24L.
Identifiers: ClinVar variation 2003648 (VCV002003648.4), dbSNP rs1774100078, ClinGen allele CA365855274.